The following is an entry in ClinVar:

ClinVar aggregate classification (germline): Benign. Review status: criteria provided, multiple submitters, no conflicts (2 of 4 stars). 4 submissions from 4 submitters: Benign (3). 1 of the submissions does not count toward it. Last evaluated 2023-01-09.

Conditions:
Familial thoracic aortic aneurysm and aortic dissection (TAAD). Also called: Thoracic aortic aneurysms and dissections. Identifiers: Orphanet 91387, MedGen C4707243, MONDO:0019625.
ROBO4-related disorder. Also called: ROBO4-related condition.

Allele frequency attached by ClinVar (database versions not stated): ESP Exome Variant Server 0.00046; gnomAD 0.00107 and 0.00150; gnomAD exomes 0.00141 and 0.00300; TOPMed 0.00160; ExAC 0.00327; 1000 Genomes Project 30x 0.00531; 1000 Genomes Project 0.00619.
gnomAD v4.1: 2,307 of 1,611,950 alleles (0.14%); highest among the groups gnomAD compares: East Asian, 4.4%; 49 homozygotes.

Submissions (4):

CHEO Genetics Diagnostic Laboratory, Children's Hospital of Eastern Ontario
Classification: Benign for Familial thoracic aortic aneurysm and aortic dissection. Last evaluated: 2023-01-09. Review status: criteria provided, single submitter. Criteria: ACMG Guidelines, 2015. Collection method: clinical testing. Allele origin: germline.

Labcorp Genetics (formerly Invitae), Labcorp
Classification: Benign. Last evaluated: 2018-04-10. Review status: criteria provided, single submitter. Criteria: Invitae Variant Classification Sherloc (09022015). Collection method: clinical testing. Allele origin: germline.

Breakthrough Genomics
Classification: Benign. Review status: criteria provided, single submitter. Criteria: ACMG Guidelines, 2015. Collection method: not provided. Allele origin: germline. Inheritance: Autosomal dominant inheritance. Affected: yes.

PreventionGenetics, part of Exact Sciences
Classification: Benign for ROBO4-related condition. Last evaluated: 2019-08-20. Review status: no assertion criteria provided. Collection method: clinical testing. Allele origin: germline. Not counted in ClinVar's aggregate classification.
Comment: This variant is classified as benign based on ACMG/AMP sequence variant interpretation guidelines (Richards et al. 2015 PMID: 25741868, with internal and published modifications).

NM_019055.6(ROBO4):c.1458C>T (p.Ala486=)

Gene: ROBO4 (roundabout guidance receptor 4; minus strand). Cytogenetic location: 11q24.2.
Variant type: single nucleotide variant.
Coding change: c.1458C>T on transcript NM_019055.6 (MANE Select); coding-DNA position 1458, C replaced by T.
Protein change: p.Ala486=; no amino-acid change (alanine 486 retained).
Molecular consequence: synonymous variant.
Genome position (GRCh38, 1-based): chr11:124,893,906, G>A on the plus strand (C>T on the coding strand, the complement: ROBO4 is on the minus strand). VCF-style: chr11-124893906-G-A. GRCh37 (hg19) VCF-style: chr11-124763802-G-A.
Other names: c.1023C>T, p.Ala341= (NM_001301088.2).
Identifiers: ClinVar variation 732298 (VCV000732298.7), dbSNP rs74458892, ClinGen allele CA6344971.